The following is an entry in ClinVar:

ClinVar aggregate classification (germline): Likely benign (0 of 4 stars; one submission).

Conditions:
PPARG-related disorder. Also called: PPARG-related disorders; PPARG-related condition.

Allele frequency attached by ClinVar (database versions not stated): TOPMed 0.00001.
gnomAD v4.1: 10 of 1,614,082 alleles (0.00062%); highest among the groups gnomAD compares: Admixed American, 0.0017%; no homozygotes.

Submission:

PreventionGenetics, part of Exact Sciences
Classification: Likely benign for PPARG-related condition. Last evaluated: 2024-08-14. Review status: no assertion criteria provided. Collection method: clinical testing. Allele origin: germline.
Comment: This variant is classified as likely benign based on ACMG/AMP sequence variant interpretation guidelines (Richards et al. 2015 PMID: 25741868, with internal and published modifications).

NM_138711.6(PPARG):c.618C>T (p.Ser206=)

Genes: PPARG (peroxisome proliferator activated receptor gamma; plus strand), LOC114803475 (PPARG eExon liver enhancer; plus strand). Cytogenetic location: 3p25.2.
Variant type: single nucleotide variant.
Coding change: c.618C>T on transcript NM_138711.6 (MANE Select); coding-DNA position 618, C replaced by T.
Protein change: p.Ser206=; no amino-acid change (serine 206 retained).
Molecular consequence: synonymous variant. On other transcripts: intron variant (1).
Genome position (GRCh38, 1-based): chr3:12,405,970, C>T. VCF-style: chr3-12405970-C-T. GRCh37 (hg19) VCF-style: chr3-12447469-C-T.
Other names: c.618C>T, p.Ser206= (NM_001330615.4, NM_001354666.3, NM_001354667.3 and 6 more transcripts); c.708C>T, p.Ser236= (NM_001354668.2, NM_001374265.1, NM_015869.5); c.624C>T, p.Ser208= (NM_001354670.2, NM_001374266.1); c.103-10734C>T (NM_001354669.2).
Identifiers: ClinVar variation 3057658 (VCV003057658.2), dbSNP rs1173987879, ClinGen allele CA432303607.